The following is an entry in ClinVar:

NM_014055.4(IFT81):c.532A>G (p.Met178Val)

Gene: IFT81 (intraflagellar transport 81; plus strand). Cytogenetic location: 12q24.11.
Variant type: single nucleotide variant.
Coding change: c.532A>G on transcript NM_014055.4 (MANE Select); coding-DNA position 532, A replaced by G.
Protein change: p.Met178Val; replaces methionine 178 with valine.
Molecular consequence: missense variant. On other transcripts: 5 prime UTR variant (2), non-coding transcript variant (4).
Genome position (GRCh38, 1-based): chr12:110,134,960, A>G. VCF-style: chr12-110134960-A-G. GRCh37 (hg19) VCF-style: chr12-110572765-A-G.
Other names: c.532A>G, p.Met178Val (NM_001143779.2, NM_001347946.2, NM_031473.4); c.-235A>G (NM_001347947.2, NM_001347948.2); short protein forms M178V.
Identifiers: ClinVar variation 1492283 (VCV001492283.9), dbSNP rs1894389865, ClinGen allele CA386909679.

ClinVar aggregate classification (germline): Uncertain significance. Review status: criteria provided, multiple submitters, no conflicts (2 of 4 stars). 2 submissions from 2 submitters: Uncertain significance (2). Last evaluated 2023-11-01.

Allele frequency attached by ClinVar (database versions not stated): gnomAD exomes below 0.00001; TOPMed below 0.00001.

Submissions (2):

Blueprint Genetics
Classification: Uncertain significance. Last evaluated: 2023-11-01. Review status: criteria provided, single submitter. Criteria: ACMG Guidelines, 2015. Collection method: clinical testing. Allele origin: germline.

Labcorp Genetics (formerly Invitae), Labcorp
Classification: Uncertain significance. Last evaluated: 2021-05-18. Review status: criteria provided, single submitter. Criteria: Invitae Variant Classification Sherloc (09022015). Collection method: clinical testing. Allele origin: germline.
Comment: This variant has not been reported in the literature in individuals with IFT81-related conditions. In summary, the available evidence is currently insufficient to determine the role of this variant in disease. Therefore, it has been classified as a Variant of Uncertain Significance. Algorithms developed to predict the effect of missense changes on protein structure and function are either unavailable or do not agree on the potential impact of this missense change (SIFT: "Deleterious"; PolyPhen-2: "Probably Damaging"; Align-GVGD: "Class C15"). This variant is not present in population databases (ExAC no frequency). This sequence change replaces methionine with valine at codon 178 of the IFT81 protein (p.Met178Val). The methionine residue is highly conserved and there is a small physicochemical difference between methionine and valine.